The following is an entry in ClinVar:

NM_014795.4(ZEB2):c.100A>C (p.Thr34Pro)

Gene: ZEB2 (zinc finger E-box binding homeobox 2; minus strand). Cytogenetic location: 2q22.3.
Variant type: single nucleotide variant.
Coding change: c.100A>C on transcript NM_014795.4 (MANE Select); coding-DNA position 100, A replaced by C.
Protein change: p.Thr34Pro; replaces threonine 34 with proline.
Molecular consequence: missense variant.
Genome position (GRCh38, 1-based): chr2:144,430,000, T>G on the plus strand (A>C on the coding strand, the complement: ZEB2 is on the minus strand). VCF-style: chr2-144430000-T-G. GRCh37 (hg19) VCF-style: chr2-145187567-T-G.
Other names: c.100A>C, p.Thr34Pro (NM_001171653.2); short protein forms T34P.
Identifiers: ClinVar variation 1010313 (VCV001010313.8), dbSNP rs1703748393, ClinGen allele CA348719073.

ClinVar aggregate classification (germline): Uncertain significance (1 of 4 stars; one submission).

Conditions:
Mowat-Wilson syndrome (MOWS). Also called: Classic Mowat-Wilson Syndrome. Identifiers: Orphanet 2152, MedGen C1856113, MONDO:0009341, OMIM 235730.

Submission:

Labcorp Genetics (formerly Invitae), Labcorp
Classification: Uncertain significance for Mowat-Wilson syndrome. Last evaluated: 2024-03-11. Review status: criteria provided, single submitter. Criteria: Invitae Variant Classification Sherloc (09022015). Collection method: clinical testing. Allele origin: germline.
Comment: This sequence change replaces threonine, which is neutral and polar, with proline, which is neutral and non-polar, at codon 34 of the ZEB2 protein (p.Thr34Pro). This variant is not present in population databases (gnomAD no frequency). This variant has not been reported in the literature in individuals affected with ZEB2-related conditions. ClinVar contains an entry for this variant (Variation ID: 1010313). Advanced modeling of protein sequence and biophysical properties (such as structural, functional, and spatial information, amino acid conservation, physicochemical variation, residue mobility, and thermodynamic stability) performed at Invitae indicates that this missense variant is not expected to disrupt ZEB2 protein function with a negative predictive value of 80%. In summary, the available evidence is currently insufficient to determine the role of this variant in disease. Therefore, it has been classified as a Variant of Uncertain Significance.